The following is an entry in ClinVar:

ClinVar aggregate classification (germline): Pathogenic (1 of 4 stars; one submission).

Conditions:
Neonatal-onset encephalopathy with rigidity and seizures. Also called: Lethal neonatal spasticity-epileptic encephalopathy syndrome. Identifiers: Orphanet 435845, MedGen C3281029, MONDO:0013784, OMIM 614498.

Submission:

Labcorp Genetics (formerly Invitae), Labcorp
Classification: Pathogenic for Rigidity and multifocal seizure syndrome, lethal neonatal. Last evaluated: 2018-09-24. Review status: criteria provided, single submitter. Criteria: Invitae Variant Classification Sherloc (09022015). Collection method: clinical testing. Allele origin: germline.
Comment: This variant is a gross deletion of the genomic region encompassing exon 2 of the BRAT1 gene, which includes the initiator codon. The 5' end of this event is unknown as it extends beyond the assayed region for this gene and therefore may encompass additional genes. The 3' boundary is likely confined to intron 2 of the BRAT1 gene. This is expected to result in an absent or disrupted protein product. This variant has not been reported in the literature in individuals with BRAT1-related disease. Loss-of-function variants in BRAT1 are known to be pathogenic (PMID: 22279524, 25500575). For these reasons, this variant has been classified as Pathogenic.

NC_000007.14:g.(?_2554285)_(2554451_?)del

Gene: BRAT1 (BRCA1 associated ATM activator 1; minus strand). Cytogenetic location: 7p22.3.
Variant type: Deletion.
Identifiers: ClinVar variation 647953 (VCV000647953.1).